The following is an entry in ClinVar:

NM_004380.3(CREBBP):c.3704A>G (p.His1235Arg)

Gene: CREBBP (CREB binding lysine acetyltransferase; minus strand). Cytogenetic location: 16p13.3.
Variant type: single nucleotide variant.
Coding change: c.3704A>G on transcript NM_004380.3 (MANE Select); coding-DNA position 3704, A replaced by G.
Protein change: p.His1235Arg; replaces histidine 1235 with arginine.
Molecular consequence: missense variant.
Genome position (GRCh38, 1-based): chr16:3,751,801, T>C on the plus strand (A>G on the coding strand, the complement: CREBBP is on the minus strand). VCF-style: chr16-3751801-T-C. GRCh37 (hg19) VCF-style: chr16-3801802-T-C.
Other names: c.3590A>G, p.His1197Arg (NM_001079846.1); short protein forms H1197R, H1235R.
Identifiers: ClinVar variation 4709779 (VCV004709779.1).

ClinVar aggregate classification (germline): Uncertain significance (1 of 4 stars; one submission).

Conditions:
Rubinstein-Taybi syndrome (RSTS). Identifiers: Orphanet 783, MedGen C0035934, MONDO:0019188.

Submission:

Labcorp Genetics (formerly Invitae), Labcorp
Classification: Uncertain significance for Rubinstein-Taybi syndrome. Last evaluated: 2025-12-01. Review status: criteria provided, single submitter. Criteria: Invitae Variant Classification Sherloc (09022015). Collection method: clinical testing. Allele origin: germline.
Comment: This sequence change replaces histidine, which is basic and polar, with arginine, which is basic and polar, at codon 1235 of the CREBBP protein (p.His1235Arg). This variant is not present in population databases (gnomAD no frequency). This variant has not been reported in the literature in individuals affected with CREBBP-related conditions. Invitae Evidence Modeling of protein sequence and biophysical properties (such as structural, functional, and spatial information, amino acid conservation, physicochemical variation, residue mobility, and thermodynamic stability) has been performed for this missense variant. However, the output from this modeling did not meet the statistical confidence thresholds required to predict the impact of this variant on CREBBP protein function. In summary, the available evidence is currently insufficient to determine the role of this variant in disease. Therefore, it has been classified as a Variant of Uncertain Significance.